The following is an entry in ClinVar:

NM_207361.6(FREM2):c.5641G>T (p.Glu1881Ter)

Gene: FREM2 (FRAS1 related extracellular matrix 2; plus strand). Cytogenetic location: 13q13.3.
Variant type: single nucleotide variant.
Coding change: c.5641G>T on transcript NM_207361.6 (MANE Select); coding-DNA position 5641, G replaced by T.
Protein change: p.Glu1881Ter; replaces glutamic acid 1881 with a stop codon.
Molecular consequence: nonsense.
Genome position (GRCh38, 1-based): chr13:38,769,808, G>T. VCF-style: chr13-38769808-G-T. GRCh37 (hg19) VCF-style: chr13-39343945-G-T.
Other names: short protein forms E1881*.
Identifiers: ClinVar variation 4848187 (VCV004848187.1).

ClinVar aggregate classification (germline): Pathogenic (1 of 4 stars; one submission).

Conditions:
Fraser syndrome 1 (FRASRS1). Also called: CRYPTOPHTHALMOS WITH OTHER MALFORMATIONS. Identifiers: Orphanet 2052, MedGen C4551480, MONDO:0054737, OMIM 219000.

gnomAD v4.1: 1 of 1,611,162 alleles (0.000062%); highest among the groups gnomAD compares: Non-Finnish European, 0.000085%; no homozygotes.

Submission:

Women's Health and Genetics/Laboratory Corporation of America, LabCorp
Classification: Pathogenic for Fraser syndrome 1. Last evaluated: 2026-02-23. Review status: criteria provided, single submitter. Criteria: LabCorp Variant Classification Summary - May 2015. Collection method: clinical testing. Allele origin: germline.
Comment: Variant summary: FREM2 c.5641G>T (p.Glu1881X) results in a premature termination codon, predicted to cause a truncation of the encoded protein or absence of the protein due to nonsense mediated decay, which are commonly known mechanisms for disease. The variant was absent in 250412 control chromosomes. To our knowledge, no occurrence of c.5641G>T in individuals affected with FREM2-related conditions and no experimental evidence demonstrating its impact on protein function have been reported. No submitters have cited clinical-significance assessments for this variant to ClinVar. Based on the evidence outlined above, the variant was classified as pathogenic.